The following is an entry in ClinVar:

ClinVar aggregate classification (germline): Uncertain significance (1 of 4 stars; one submission).

Conditions:
DK1-congenital disorder of glycosylation. Also called: DOLK-congenital disorder of glycosylation; Carbohydrate deficient glycoprotein syndrome type 1m; CONGENITAL DISORDER OF GLYCOSYLATION, TYPE Im; CDG Im; DK1 DEFICIENCY; DOLICHOL KINASE DEFICIENCY. Identifiers: Orphanet 91131, MedGen C1835849, MONDO:0012556, OMIM 610768.

Submission:

Labcorp Genetics (formerly Invitae), Labcorp
Classification: Uncertain significance for DK1-congenital disorder of glycosylation. Last evaluated: 2020-09-24. Review status: criteria provided, single submitter. Criteria: Invitae Variant Classification Sherloc (09022015). Collection method: clinical testing. Allele origin: germline.
Comment: In summary, the available evidence is currently insufficient to determine the role of this variant in disease. Therefore, it has been classified as a Variant of Uncertain Significance. Experimental studies and prediction algorithms are not available or were not evaluated, and the functional significance of this variant is currently unknown. This variant has not been reported in the literature in individuals with DOLK-related conditions. ClinVar contains an entry for this variant (Variation ID: 651555). This variant is not present in population databases (ExAC no frequency). This sequence change results in a premature translational stop signal in the DOLK gene (p.Phe245Valfs*111). While this is not anticipated to result in nonsense mediated decay, it is expected to disrupt the last 294 amino acids of the DOLK protein.

NM_014908.4(DOLK):c.731dup (p.Phe245fs)

Gene: DOLK (dolichol kinase; minus strand). Cytogenetic location: 9q34.11.
Variant type: Duplication.
Coding change: c.731dup on transcript NM_014908.4 (MANE Select); coding-DNA position 731, one base duplicated (T; older notation c.731dupT).
Protein change: p.Phe245fs; shifts the reading frame from phenylalanine 245.
Molecular consequence: frameshift variant.
Genome position (GRCh38, 1-based): chr9:128,946,573, A duplicated on the plus strand (T on the coding strand, the reverse complement: DOLK is on the minus strand). VCF-style (leftmost placement, unchanged base first): chr9-128946572-C-CA. GRCh37 (hg19) VCF-style: chr9-131708851-C-CA.
Other names: short protein forms F245fs.
Identifiers: ClinVar variation 651555 (VCV000651555.7), dbSNP rs1588262474, ClinGen allele CA915947142.